The following is an entry in ClinVar:

ClinVar aggregate classification (germline): Benign/Likely benign. Review status: criteria provided, multiple submitters, no conflicts (2 of 4 stars). 2 submissions from 2 submitters: Benign (1); Likely benign (1). Last evaluated 2025-03-25.

Conditions:
Hereditary cancer-predisposing syndrome. Also called: Hereditary Cancer Syndrome; Hereditary neoplastic syndrome; Neoplastic Syndromes, Hereditary; Tumor predisposition. Identifiers: Orphanet 140162, MedGen C0027672, MeSH D009386, MONDO:0015356.
Peutz-Jeghers syndrome (PJS). Also called: POLYPOSIS, HAMARTOMATOUS INTESTINAL; POLYPS-AND-SPOTS SYNDROME; Peutz-Jeghers polyposis; Periorificial lentiginosis syndrome. Identifiers: Orphanet 2869, MedGen C0031269, MeSH D010580, MONDO:0008280, OMIM 175200.

Allele frequency attached by ClinVar (database versions not stated): gnomAD exomes below 0.00001; ExAC 0.00001.
gnomAD v4.1: 1 of 1,613,218 alleles (0.000062%); highest among the groups gnomAD compares: Non-Finnish European, 0.000085%; no homozygotes.

Submissions (2):

Myriad Genetics, Inc.
Classification: Benign for Peutz-Jeghers syndrome. Last evaluated: 2025-03-25. Review status: criteria provided, single submitter. Criteria: Myriad Autosomal Dominant, Autosomal Recessive and X-Linked Classification Criteria (2023). Collection method: clinical testing. Allele origin: unknown.
Comment: This variant is considered benign. This variant is a silent/synonymous amino acid change and it is not expected to impact splicing.

Color Diagnostics, LLC DBA Color Health
Classification: Likely benign for Hereditary cancer-predisposing syndrome. Last evaluated: 2021-07-06. Review status: criteria provided, single submitter. Criteria: ACMG Guidelines, 2015. Collection method: clinical testing. Allele origin: germline.

NM_000455.5(STK11):c.228C>A (p.Ala76=)

Gene: STK11 (serine/threonine kinase 11; plus strand). Cytogenetic location: 19p13.3.
Variant type: single nucleotide variant.
Coding change: c.228C>A on transcript NM_000455.5 (MANE Select); coding-DNA position 228, C replaced by A.
Protein change: p.Ala76=; no amino-acid change (alanine 76 retained).
Molecular consequence: synonymous variant.
Genome position (GRCh38, 1-based): chr19:1,207,141, C>A. VCF-style: chr19-1207141-C-A. GRCh37 (hg19) VCF-style: chr19-1207140-C-A.
Identifiers: ClinVar variation 1332654 (VCV001332654.3), dbSNP rs763166927, ClinGen allele CA046612.
Genomic context (GRCh38, chr19:1,207,141, plus strand): 5'-GGAAGGCTCTTACGGCAAGGTGAAGGAGGTGCTGGACTCGGAGACGCTGTGCAGGAGGGC[C>A]GTCAAGATCCTCAAGAAGAAGAAGTTGCGAAGGATCCCCAACGGGGAGGCCAACGTGAAG-3'
Protein context (NP_000446.1, residues 66-86): VLDSETLCRR[Ala76=]VKILKKKKLR